The following is an entry in ClinVar:

NM_002474.3(MYH11):c.5359C>T (p.Arg1787Trp)

Genes: MYH11 (myosin heavy chain 11; minus strand), NDE1 (nudE neurodevelopment protein 1; plus strand). Cytogenetic location: 16p13.11.
Variant type: single nucleotide variant.
Coding change: c.5359C>T on transcript NM_002474.3 (MANE Select); coding-DNA position 5359, C replaced by T.
Protein change: p.Arg1787Trp; replaces arginine 1787 with tryptophan.
Molecular consequence: missense variant. On other transcripts: intron variant (2).
Genome position (GRCh38, 1-based): chr16:15,717,285, G>A on the plus strand (C>T on the coding strand, the complement: MYH11 is on the minus strand). VCF-style: chr16-15717285-G-A. GRCh37 (hg19) VCF-style: chr16-15811142-G-A.
Other names: c.5380C>T, p.Arg1794Trp (NM_001040113.2, NM_001040114.2); c.5359C>T, p.Arg1787Trp (NM_022844.3); c.948-6906G>A (NM_001143979.2, NM_017668.3); c.5359C>T (NM_002474.2); short protein forms R1787W, R1794W.
Identifiers: ClinVar variation 3667657 (VCV003667657.2).

ClinVar aggregate classification (germline): Uncertain significance. Review status: criteria provided, multiple submitters, no conflicts (2 of 4 stars). 2 submissions from 2 submitters: Uncertain significance (2). Last evaluated 2026-04-27.

Conditions:
Familial thoracic aortic aneurysm and aortic dissection (TAAD). Also called: Thoracic aortic aneurysms and dissections. Identifiers: Orphanet 91387, MedGen C4707243, MONDO:0019625.
Aortic aneurysm, familial thoracic 4 (AAT4). Also called: AORTIC ANEURYSM/AORTIC DISSECTION AND PATENT DUCTUS ARTERIOSUS. Identifiers: MedGen C1851504, MONDO:0007568, OMIM 132900.

gnomAD v4.1: 24 of 1,613,484 alleles (0.0015%); highest among the groups gnomAD compares: African/African-American, 0.0027%; no homozygotes.

Submissions (2):

Ambry Genetics
Classification: Uncertain significance for Familial thoracic aortic aneurysm and aortic dissection. Last evaluated: 2026-04-27. Review status: criteria provided, single submitter. Criteria: Ambry Variant Classification Scheme 2023. Collection method: clinical testing. Allele origin: germline.
Comment: The p.R1787W variant (also known as c.5359C>T), located in coding exon 37 of the MYH11 gene, results from a C to T substitution at nucleotide position 5359. The arginine at codon 1787 is replaced by tryptophan, an amino acid with dissimilar properties. This amino acid position is conserved. In addition, the in silico prediction for this alteration is inconclusive. Based on the available evidence, the clinical significance of this variant remains unclear.

Labcorp Genetics (formerly Invitae), Labcorp
Classification: Uncertain significance for Aortic aneurysm, familial thoracic 4. Last evaluated: 2024-11-24. Review status: criteria provided, single submitter. Criteria: Invitae Variant Classification Sherloc (09022015). Collection method: clinical testing. Allele origin: germline.
Comment: This sequence change replaces arginine, which is basic and polar, with tryptophan, which is neutral and slightly polar, at codon 1794 of the MYH11 protein (p.Arg1794Trp). This variant is present in population databases (rs142198104, gnomAD 0.003%). This variant has not been reported in the literature in individuals affected with MYH11-related conditions. Invitae Evidence Modeling of protein sequence and biophysical properties (such as structural, functional, and spatial information, amino acid conservation, physicochemical variation, residue mobility, and thermodynamic stability) indicates that this missense variant is not expected to disrupt MYH11 protein function with a negative predictive value of 95%. In summary, the available evidence is currently insufficient to determine the role of this variant in disease. Therefore, it has been classified as a Variant of Uncertain Significance.